The following is an entry in ClinVar:

NM_001159773.2(CANT1):c.1048del (p.Ile350fs)

Gene: CANT1 (calcium activated nucleotidase 1; minus strand). Cytogenetic location: 17q25.3.
Variant type: Deletion.
Coding change: c.1048del on transcript NM_001159773.2 (MANE Select); coding-DNA position 1048, one base deleted (A; older notation c.1048delA).
Protein change: p.Ile350fs; shifts the reading frame from isoleucine 350.
Molecular consequence: frameshift variant.
Genome position (GRCh38, 1-based): chr17:78,993,708, T deleted on the plus strand (A on the coding strand, the reverse complement: CANT1 is on the minus strand). VCF-style (leftmost placement, unchanged base first): chr17-78993707-AT-A. GRCh37 (hg19) VCF-style: chr17-76989789-AT-A.
Other names: c.1048del, p.Ile350fs (NM_001159772.2, NM_138793.4); short protein forms I350fs.
Identifiers: ClinVar variation 1461337 (VCV001461337.8), dbSNP rs1294064847, ClinGen allele CA628016967.

ClinVar aggregate classification (germline): Uncertain significance (1 of 4 stars; one submission).

Allele frequency attached by ClinVar (database versions not stated): gnomAD exomes below 0.00001; TOPMed 0.00001.

Submission:

Labcorp Genetics (formerly Invitae), Labcorp
Classification: Uncertain significance. Last evaluated: 2021-06-13. Review status: criteria provided, single submitter. Criteria: Invitae Variant Classification Sherloc (09022015). Collection method: clinical testing. Allele origin: germline.
Comment: This sequence change creates a premature translational stop signal (p.Ile350Serfs*44) in the CANT1 gene. While this is not anticipated to result in nonsense mediated decay, it is expected to disrupt the last 52 amino acid(s) of the CANT1 protein. This variant is not present in population databases (ExAC no frequency). This variant has not been reported in the literature in individuals with CANT1-related conditions. This variant disrupts a region of the protein in which other variant(s) (p.Ala360Asp, p.Ile374Asn) have been observed in individuals with CANT1-related conditions (PMID: 21037275, 22539336). This suggests that this may be a clinically significant region of the CANT1 protein. In summary, the available evidence is currently insufficient to determine the role of this variant in disease. Therefore, it has been classified as a Variant of Uncertain Significance.

Literature cited by the submitters: PubMed 21037275; PubMed 22539336.